The following is an entry in ClinVar:

NM_015557.3(CHD5):c.5801C>T (p.Pro1934Leu)

Gene: CHD5 (chromodomain helicase DNA binding protein 5; minus strand). Cytogenetic location: 1p36.31.
Variant type: single nucleotide variant.
Coding change: c.5801C>T on transcript NM_015557.3 (MANE Select); coding-DNA position 5801, C replaced by T.
Protein change: p.Pro1934Leu; replaces proline 1934 with leucine.
Molecular consequence: missense variant.
Genome position (GRCh38, 1-based): chr1:6,106,451, G>A on the plus strand (C>T on the coding strand, the complement: CHD5 is on the minus strand). VCF-style: chr1-6106451-G-A. GRCh37 (hg19) VCF-style: chr1-6166511-G-A.
Other names: p.Pro1934Leu; short protein forms P1934L.
Identifiers: ClinVar variation 3775170 (VCV003775170.1).
Genomic context (GRCh38, chr1:6,106,451, plus strand): 5'-CTACCGGTCACATAGGGCCCCAGGGGCATCTGGTTGTAGTTGACAATCCCTCCCGGTCCA[G>A]GGCCCCGGAAGTTGGGCCCAAAGTTGTTGCTGTACATCTGGGAGGAGCCGAAAGCGCCCT-3'
Protein context (NP_056372.1, residues 1924-1944): SNNFGPNFRG[Pro1934Leu]GPGGIVNYNQ

ClinVar aggregate classification (germline): Uncertain significance (1 of 4 stars; one submission).

Conditions:
Parenti-mignot neurodevelopmental syndrome. Identifiers: MedGen C5676984, MONDO:0859249, OMIM 619873.

Submission:

Foundation for Research in Genetics and Endocrinology, FRIGE's Institute of Human Genetics
Classification: Uncertain significance for Parenti-mignot neurodevelopmental syndrome. Last evaluated: 2025-03-05. Review status: criteria provided, single submitter. Criteria: ACMG Guidelines, 2015. Collection method: clinical testing. Allele origin: unknown. Inheritance: Autosomal dominant inheritance. Affected: yes. Observed: 1 heterozygote.
Comment: A heterozygous missense variation in exon 40 of the CHD5 gene that results in the amino acid substitution of leucine for Proline at codon 1934 was detected. The observed variant c.5801C>T (p.Pro1934Leu) is not reported in the 1000 genomes and gnomAD databases. The in silico prediction of the variant is possibly damaging by PolyPhen-2 (HumDiv), SIFT, LRT. The reference codon is conserved across species. In summary, the variant meets our criteria to be classified as a variant of uncertain significance.